The following is an entry in ClinVar:

ClinVar aggregate classification (germline): Pathogenic (1 of 4 stars; one submission).

Conditions:
Hereditary cancer-predisposing syndrome. Also called: Neoplastic Syndromes, Hereditary; Tumor predisposition; Hereditary neoplastic syndrome; Hereditary Cancer Syndrome. Identifiers: Orphanet 140162, MedGen C0027672, MeSH D009386, MONDO:0015356.

Submission:

Ambry Genetics
Classification: Pathogenic for Hereditary cancer-predisposing syndrome. Last evaluated: 2018-05-17. Review status: criteria provided, single submitter. Criteria: Ambry Variant Classification Scheme 2023. Collection method: clinical testing. Allele origin: germline.
Comment: The c.4523dupG pathogenic mutation, located in coding exon 10 of the BRCA2 gene, results from a duplication of G at nucleotide position 4523, causing a translational frameshift with a predicted alternate stop codon (p.Q1509Tfs*5). This alteration is expected to result in loss of function by premature protein truncation or nonsense-mediated mRNA decay. As such, this alteration is interpreted as a disease-causing mutation.

NM_000059.4(BRCA2):c.4523dup (p.Gln1509fs)

Gene: BRCA2 (BRCA2 DNA repair associated; plus strand). Cytogenetic location: 13q13.1.
Variant type: Duplication.
Coding change: c.4523dup on transcript NM_000059.4 (MANE Select); coding-DNA position 4523, one base duplicated (G; older notation c.4523dupG).
Protein change: p.Gln1509fs; shifts the reading frame from glutamine 1509.
Molecular consequence: frameshift variant.
Genome position (GRCh38, 1-based): chr13:32,338,878, G duplicated; the last of 3 consecutive G bases (chr13:32,338,876-32,338,878); duplicating any one gives the same sequence. VCF-style (leftmost placement, unchanged base first): chr13-32338875-A-AG. GRCh37 (hg19) VCF-style: chr13-32913012-A-AG.
Other names: short protein forms Q1509fs.
Identifiers: ClinVar variation 824971 (VCV000824971.4), dbSNP rs1593902621, ClinGen allele CA915948465.